The following is an entry in ClinVar:

NM_000044.6(AR):c.1724_1725del (p.Leu575fs)

Gene: AR (androgen receptor; plus strand). Cytogenetic location: Xq12.
Variant type: Microsatellite.
Coding change: c.1724_1725del on transcript NM_000044.6 (MANE Select); coding-DNA positions 1724 to 1725, 2 bases deleted (TC; older notation c.1724_1725delTC).
Protein change: p.Leu575fs; shifts the reading frame from leucine 575.
Molecular consequence: frameshift variant. On other transcripts: intron variant (1).
Genome position (GRCh38, 1-based): chrX:67,643,363-67,643,364, TC deleted; deleting any 2 consecutive bases within chrX:67,643,360-67,643,364 gives the same sequence; the c. name uses the placement nearest the transcript's 3' end. VCF-style (leftmost placement, unchanged base first): chrX-67643359-GCT-G. GRCh37 (hg19) VCF-style: chrX-66863201-GCT-G.
Other names: c.128_129del, p.Leu43fs (NM_001011645.3); c.1724_1725del, p.Leu575fs (NM_001348061.1, NM_001348063.1); c.1617-42578_1617-42577del (NM_001348064.1); short protein forms L575fs, L43fs.
Identifiers: ClinVar variation 658929 (VCV000658929.8), dbSNP rs1602220874, ClinGen allele CA915951159.
Genomic context (GRCh38, chrX:67,643,359, plus strand): 5'-TTTCCACCCCAGAAGACCTGCCTGATCTGTGGAGATGAAGCTTCTGGGTGTCACTATGGA[GCT>G]CTCACATGTGGAAGCTGCAAGGTCTTCTTCAAAAGAGCCGCTGAAGGTAAAGGGTCTTGC-3'

ClinVar aggregate classification (germline): Pathogenic (1 of 4 stars; one submission).

Conditions:
Androgen resistance syndrome (AIS). Also called: Androgen insensitivity, complete; Androgen insensitivity syndrome due to coactivator deficiency; Androgen insensitivity syndrome; Androgen insensitivity; ANDROGEN RECEPTOR DEFICIENCY; DIHYDROTESTOSTERONE RECEPTOR DEFICIENCY. Identifiers: Orphanet 754, Orphanet 99429, MedGen C0039585, MONDO:0019154, OMIM 300068. Disease mechanism: loss of function.
Kennedy disease (SMAX1). Also called: Spinal and Bulbar Muscular Atrophy; SPINAL AND BULBAR MUSCULAR ATROPHY, X-LINKED 1; KENNEDY SPINAL AND BULBAR MUSCULAR ATROPHY. Identifiers: Orphanet 481, MedGen C1839259, MONDO:0010735, OMIM 313200.

Submission:

Labcorp Genetics (formerly Invitae), Labcorp
Classification: Pathogenic for Kennedy disease; Androgen resistance syndrome. Last evaluated: 2018-12-20. Review status: criteria provided, single submitter. Criteria: Invitae Variant Classification Sherloc (09022015). Collection method: clinical testing. Allele origin: germline.
Comment: This variant is not present in population databases (ExAC no frequency). This sequence change creates a premature translational stop signal (p.Leu575Hisfs*14) in the AR gene. It is expected to result in an absent or disrupted protein product. Loss-of-function variants in AR are known to be pathogenic (PMID: 19463997). For these reasons, this variant has been classified as Pathogenic.

Literature cited by the submitters: PubMed 19463997.